The following is an entry in ClinVar:

ClinVar aggregate classification (germline): Uncertain significance. Review status: criteria provided, multiple submitters, no conflicts (2 of 4 stars). 3 submissions from 3 submitters: Uncertain significance (3). Last evaluated 2026-06-22.

Conditions:
CSF3R-related disorder. Also called: CSF3R-related condition.
Autosomal recessive severe congenital neutropenia due to CSF3R deficiency. Also called: Neutropenia, severe congenital, 7, autosomal recessive. Identifiers: Orphanet 420702, MedGen C4310764, MONDO:0014865, OMIM 617014.

Allele frequency attached by ClinVar (database versions not stated): gnomAD 0.00001; gnomAD exomes 0.00001; TOPMed 0.00001; ESP Exome Variant Server 0.00008.
gnomAD v4.1: 21 of 1,614,100 alleles (0.0013%); highest among the groups gnomAD compares: Middle Eastern, 0.12%; no homozygotes.

Submissions (3):

PreventionGenetics, part of Exact Sciences
Classification: Uncertain significance for CSF3R-related condition. Last evaluated: 2026-06-22. Review status: criteria provided, single submitter. Criteria: ACMG Guidelines, 2015. Collection method: clinical testing. Allele origin: germline.
Comment: The CSF3R c.886G>A variant is predicted to result in the amino acid substitution p.Gly296Arg. To our knowledge, this variant has not been reported in the literature. This variant is reported in 0.0054% of alleles in individuals of East Asian descent in gnomAD. At this time, the clinical significance of this variant is uncertain due to the absence of conclusive functional and genetic evidence.

Labcorp Genetics (formerly Invitae), Labcorp
Classification: Uncertain significance for Autosomal recessive severe congenital neutropenia due to CSF3R deficiency. Last evaluated: 2024-10-21. Review status: criteria provided, single submitter. Criteria: Invitae Variant Classification Sherloc (09022015). Collection method: clinical testing. Allele origin: germline.
Comment: This sequence change replaces glycine, which is neutral and non-polar, with arginine, which is basic and polar, at codon 296 of the CSF3R protein (p.Gly296Arg). This variant is present in population databases (rs368300579, gnomAD 0.006%). This variant has not been reported in the literature in individuals affected with CSF3R-related conditions. ClinVar contains an entry for this variant (Variation ID: 2173536). Invitae Evidence Modeling of protein sequence and biophysical properties (such as structural, functional, and spatial information, amino acid conservation, physicochemical variation, residue mobility, and thermodynamic stability) indicates that this missense variant is not expected to disrupt CSF3R protein function with a negative predictive value of 80%. In summary, the available evidence is currently insufficient to determine the role of this variant in disease. Therefore, it has been classified as a Variant of Uncertain Significance.

Blueprint Genetics
Classification: Uncertain significance. Last evaluated: 2024-05-30. Review status: criteria provided, single submitter. Criteria: ACMG Guidelines, 2015. Collection method: clinical testing. Allele origin: germline.

NM_000760.4(CSF3R):c.886G>A (p.Gly296Arg)

Gene: CSF3R (colony stimulating factor 3 receptor; minus strand). Cytogenetic location: 1p34.3.
Variant type: single nucleotide variant.
Coding change: c.886G>A on transcript NM_000760.4 (MANE Select); coding-DNA position 886, G replaced by A.
Protein change: p.Gly296Arg; replaces glycine 296 with arginine.
Molecular consequence: missense variant.
Genome position (GRCh38, 1-based): chr1:36,472,349, C>T on the plus strand (G>A on the coding strand, the complement: CSF3R is on the minus strand). VCF-style: chr1-36472349-C-T. GRCh37 (hg19) VCF-style: chr1-36937950-C-T.
Other names: c.886G>A (NM_000760.3); c.886G>A, p.Gly296Arg (NM_156039.3, NM_172313.3); short protein forms G296R.
Identifiers: ClinVar variation 2173536 (VCV002173536.6), dbSNP rs368300579, ClinGen allele CA20748811.